The following is an entry in ClinVar:

ClinVar aggregate classification (germline): Uncertain significance (1 of 4 stars; one submission).

Conditions:
Pyruvate dehydrogenase E3 deficiency (DLDD). Also called: Lipoamide dehydrogenase deficiency; MAPLE SYRUP URINE DISEASE, TYPE III; DLD DEFICIENCY; E3 DEFICIENCY; Dihydrolipoamide Dehydrogenase E3 Deficiency; Dihydrolipoamide Dehydrogenase Deficiency. Identifiers: Orphanet 2394, Orphanet 765, MedGen C5574660, MONDO:0009529, OMIM 246900.

Submission:

Labcorp Genetics (formerly Invitae), Labcorp
Classification: Uncertain significance for Pyruvate dehydrogenase E3 deficiency. Last evaluated: 2022-03-18. Review status: criteria provided, single submitter. Criteria: Invitae Variant Classification Sherloc (09022015). Collection method: clinical testing. Allele origin: germline.
Comment: This sequence change replaces isoleucine, which is neutral and non-polar, with arginine, which is basic and polar, at codon 47 of the DLD protein (p.Ile47Arg). This variant is not present in population databases (gnomAD no frequency). This variant has not been reported in the literature in individuals affected with DLD-related conditions. Algorithms developed to predict the effect of missense changes on protein structure and function (SIFT, PolyPhen-2, Align-GVGD) all suggest that this variant is likely to be disruptive. This variant disrupts the p.Ile47 amino acid residue in DLD. Other variant(s) that disrupt this residue have been determined to be pathogenic (PMID: 16770810). This suggests that this residue is clinically significant, and that variants that disrupt this residue are likely to be disease-causing. In summary, the available evidence is currently insufficient to determine the role of this variant in disease. Therefore, it has been classified as a Variant of Uncertain Significance.

Literature cited by the submitters: PubMed 16770810.

NM_000108.5(DLD):c.140T>G (p.Ile47Arg)

Gene: DLD (dihydrolipoamide dehydrogenase; plus strand). Cytogenetic location: 7q31.1.
Variant type: single nucleotide variant.
Coding change: c.140T>G on transcript NM_000108.5 (MANE Select); coding-DNA position 140, T replaced by G.
Protein change: p.Ile47Arg; replaces isoleucine 47 with arginine.
Molecular consequence: missense variant. On other transcripts: intron variant (1).
Genome position (GRCh38, 1-based): chr7:107,901,759, T>G. VCF-style: chr7-107901759-T-G. GRCh37 (hg19) VCF-style: chr7-107542204-T-G.
Other names: c.140T>G, p.Ile47Arg (NM_001289751.1, NM_001289752.1); c.-30-1719T>G (NM_001289750.1); short protein forms I47R.
Identifiers: ClinVar variation 1964005 (VCV001964005.5), dbSNP rs397514651, ClinGen allele CA368854704.